The following is an entry in ClinVar:

ClinVar aggregate classification (germline): Uncertain significance. Review status: criteria provided, multiple submitters, no conflicts (2 of 4 stars). 4 submissions from 4 submitters: Uncertain significance (4). Last evaluated 2026-03-25.

Conditions:
LRBA-related disorder. Also called: LRBA-related condition.
Inborn genetic diseases. Identifiers: MedGen C0950123, MeSH D030342.
Combined immunodeficiency due to LRBA deficiency. Also called: Common variable immunodeficiency 8, with autoimmunity. Identifiers: Orphanet 445018, MedGen C3553512, MONDO:0013863, OMIM 614700.

Allele frequency attached by ClinVar (database versions not stated): gnomAD exomes 0.00003 and 0.00008; ExAC 0.00005; gnomAD 0.00044 and 0.00048; TOPMed 0.00095; 1000 Genomes Project 0.00100; 1000 Genomes Project 30x 0.00109.
gnomAD v4.1: 133 of 1,612,286 alleles (0.0082%); highest among the groups gnomAD compares: Admixed American, 0.15%; 3 homozygotes.

Submissions (4):

PreventionGenetics, part of Exact Sciences
Classification: Uncertain significance for LRBA-related condition. Last evaluated: 2026-03-25. Review status: criteria provided, single submitter. Criteria: ACMG Guidelines, 2015. Collection method: clinical testing. Allele origin: germline.
Comment: The LRBA c.1541C>T variant is predicted to result in the amino acid substitution p.Ala514Val. To our knowledge, this variant has not been reported in the literature. This variant is reported in 0.034% of alleles in individuals of Latino descent in gnomAD, including one homozygous individual, which may be too common to be causative. Although we suspect that this variant may be benign, at this time, the clinical significance of this variant is uncertain due to the absence of conclusive functional and genetic evidence.

Labcorp Genetics (formerly Invitae), Labcorp
Classification: Uncertain significance for Combined immunodeficiency due to LRBA deficiency. Last evaluated: 2024-12-09. Review status: criteria provided, single submitter. Criteria: Invitae Variant Classification Sherloc (09022015). Collection method: clinical testing. Allele origin: germline.
Comment: This sequence change replaces alanine, which is neutral and non-polar, with valine, which is neutral and non-polar, at codon 514 of the LRBA protein (p.Ala514Val). This variant is present in population databases (rs187493744, gnomAD 0.04%), including at least one homozygous and/or hemizygous individual. This variant has not been reported in the literature in individuals affected with LRBA-related conditions. ClinVar contains an entry for this variant (Variation ID: 473167). Invitae Evidence Modeling of protein sequence and biophysical properties (such as structural, functional, and spatial information, amino acid conservation, physicochemical variation, residue mobility, and thermodynamic stability) indicates that this missense variant is not expected to disrupt LRBA protein function with a negative predictive value of 80%. In summary, the available evidence is currently insufficient to determine the role of this variant in disease. Therefore, it has been classified as a Variant of Uncertain Significance.

Mayo Clinic Laboratories, Mayo Clinic
Classification: Uncertain significance. Last evaluated: 2024-04-18. Review status: criteria provided, single submitter. Criteria: ACMG Guidelines, 2015. Collection method: clinical testing. Allele origin: germline. Observed: 1 variant allele.
Comment: BP4

Ambry Genetics
Classification: Uncertain significance for Inborn genetic diseases. Last evaluated: 2023-10-27. Review status: criteria provided, single submitter. Criteria: Ambry Variant Classification Scheme 2023. Collection method: clinical testing. Allele origin: germline.

NM_001364905.1(LRBA):c.1541C>T (p.Ala514Val)

Gene: LRBA (LPS responsive beige-like anchor protein; minus strand). Cytogenetic location: 4q31.3.
Variant type: single nucleotide variant.
Coding change: c.1541C>T on transcript NM_001364905.1 (MANE Select); coding-DNA position 1541, C replaced by T.
Protein change: p.Ala514Val; replaces alanine 514 with valine.
Molecular consequence: missense variant.
Genome position (GRCh38, 1-based): chr4:150,906,358, G>A on the plus strand (C>T on the coding strand, the complement: LRBA is on the minus strand). VCF-style: chr4-150906358-G-A. GRCh37 (hg19) VCF-style: chr4-151827510-G-A.
Other names: p.Ala514Val; c.1541C>T, p.Ala514Val (NM_001199282.3, NM_001367550.1, NM_006726.5); short protein forms A514V.
Identifiers: ClinVar variation 473167 (VCV000473167.9), dbSNP rs187493744, ClinGen allele CA3103546.